The following is an entry in ClinVar:

ClinVar aggregate classification (germline): Conflicting classifications of pathogenicity. Review status: criteria provided, conflicting classifications (1 of 4 stars). 2 submissions from 2 submitters: Uncertain significance (1); Likely benign (1). Last evaluated 2025-10-28.

Conditions:
Genitopatellar syndrome (GTPTS). Also called: ABSENT PATELLAE, SCROTAL HYPOPLASIA, RENAL ANOMALIES, FACIAL DYSMORPHISM, AND MENTAL RETARDATION; Genitopatellar syndrome (GPS). Identifiers: Orphanet 85201, MedGen C1853566, MONDO:0011640, OMIM 606170.

Allele frequency attached by ClinVar (database versions not stated): gnomAD exomes below 0.00001.
gnomAD v4.1: 1 of 1,614,214 alleles (0.000062%); highest among the groups gnomAD compares: Admixed American, 0.0017%; no homozygotes.

Submissions (2):

Women's Health and Genetics/Laboratory Corporation of America, LabCorp
Classification: Uncertain significance. Last evaluated: 2025-10-28. Review status: criteria provided, single submitter. Criteria: LabCorp Variant Classification Summary - May 2015. Collection method: clinical testing. Allele origin: germline.
Comment: Variant summary: KAT6B c.5357A>C (p.Glu1786Ala) results in a non-conservative amino acid change in the encoded protein sequence. Algorithms developed to predict the effect of missense changes on protein structure and function all suggest that this variant is likely to be disruptive. The variant allele was found at a frequency of 8e-06 in 251390 control chromosomes. The available data on variant occurrences in the general population are insufficient to allow any conclusion about variant significance. To our knowledge, no occurrence of c.5357A>C in individuals affected with KAT6B-related conditions and no experimental evidence demonstrating its impact on protein function have been reported. ClinVar contains an entry for this variant (Variation ID: 2897404). Based on the evidence outlined above, the variant was classified as uncertain significance.

Labcorp Genetics (formerly Invitae), Labcorp
Classification: Likely benign for Genitopatellar syndrome. Last evaluated: 2023-11-28. Review status: criteria provided, single submitter. Criteria: Invitae Variant Classification Sherloc (09022015). Collection method: clinical testing. Allele origin: germline.

NM_012330.4(KAT6B):c.5357A>C (p.Glu1786Ala)

Gene: KAT6B (lysine acetyltransferase 6B; plus strand). Cytogenetic location: 10q22.2.
Variant type: single nucleotide variant.
Coding change: c.5357A>C on transcript NM_012330.4 (MANE Select); coding-DNA position 5357, A replaced by C.
Protein change: p.Glu1786Ala; replaces glutamic acid 1786 with alanine.
Molecular consequence: missense variant.
Genome position (GRCh38, 1-based): chr10:75,030,181, A>C. VCF-style: chr10-75030181-A-C. GRCh37 (hg19) VCF-style: chr10-76789939-A-C.
Other names: c.4808A>C, p.Glu1603Ala (NM_001256468.2, NM_001370138.1); c.4481A>C, p.Glu1494Ala (NM_001256469.2, NM_001370139.1, NM_001370140.1 and 2 more transcripts); c.4319A>C, p.Glu1440Ala (NM_001370132.1); c.3668A>C, p.Glu1223Ala (NM_001370133.1); c.3272A>C, p.Glu1091Ala (NM_001370134.1); c.3014A>C, p.Glu1005Ala (NM_001370135.1); c.5357A>C, p.Glu1786Ala (NM_001370136.1, NM_001370137.1); c.4292A>C, p.Glu1431Ala (NM_001370143.1, NM_001370144.1); short protein forms E1091A, E1440A, E1494A, E1005A, E1223A, E1431A, E1786A, E1603A.
Identifiers: ClinVar variation 2897404 (VCV002897404.4), dbSNP rs1389265622, ClinGen allele CA377300982.